The following is an entry in ClinVar:

ClinVar aggregate classification (germline): Uncertain significance (1 of 4 stars; one submission).

Conditions:
Long QT syndrome (LQTS). Identifiers: MedGen C0023976, MeSH D008133, MONDO:0002442. Disease mechanism: loss of function. Inheritance: Various modes of inheritance.

Submission:

Labcorp Genetics (formerly Invitae), Labcorp
Classification: Uncertain significance for Long QT syndrome. Last evaluated: 2022-03-03. Review status: criteria provided, single submitter. Criteria: Invitae Variant Classification Sherloc (09022015). Collection method: clinical testing. Allele origin: germline.
Comment: In summary, the available evidence is currently insufficient to determine the role of this variant in disease. Therefore, it has been classified as a Variant of Uncertain Significance. Algorithms developed to predict the effect of missense changes on protein structure and function (SIFT, PolyPhen-2, Align-GVGD) all suggest that this variant is likely to be disruptive. This variant has not been reported in the literature in individuals affected with KCNH2-related conditions. This variant is not present in population databases (gnomAD no frequency). This sequence change replaces methionine, which is neutral and non-polar, with threonine, which is neutral and polar, at codon 713 of the KCNH2 protein (p.Met713Thr).

NM_000238.4(KCNH2):c.2138T>C (p.Met713Thr)

Gene: KCNH2 (potassium voltage-gated channel subfamily H member 2; minus strand). Cytogenetic location: 7q36.1.
Variant type: single nucleotide variant.
Coding change: c.2138T>C on transcript NM_000238.4 (MANE Select); coding-DNA position 2138, T replaced by C.
Protein change: p.Met713Thr; replaces methionine 713 with threonine.
Molecular consequence: missense variant.
Genome position (GRCh38, 1-based): chr7:150,950,928, A>G on the plus strand (T>C on the coding strand, the complement: KCNH2 is on the minus strand). VCF-style: chr7-150950928-A-G. GRCh37 (hg19) VCF-style: chr7-150648016-A-G.
Other names: c.1118T>C, p.Met373Thr (NM_001204798.2, NM_172057.3); c.1850T>C, p.Met617Thr (NM_001406753.1, NM_001406756.1); c.1961T>C, p.Met654Thr (NM_001406755.1); c.1838T>C, p.Met613Thr (NM_001406757.1); c.2138T>C, p.Met713Thr (NM_172056.3); short protein forms M617T, M373T, M654T, M613T, M713T.
Identifiers: ClinVar variation 2105926 (VCV002105926.4), dbSNP rs2486030220, ClinGen allele CA369857322.